The following is an entry in ClinVar:

ClinVar aggregate classification (germline): Uncertain significance (1 of 4 stars; one submission).

Conditions:
Congenital myopathy with internal nuclei and atypical cores. Also called: Myopathy, centronuclear, 4. Identifiers: Orphanet 319160, MedGen C4707232, MONDO:0013890, OMIM 614807.

Allele frequency attached by ClinVar (database versions not stated): gnomAD 0.00001; gnomAD exomes 0.00001.

Submission:

Labcorp Genetics (formerly Invitae), Labcorp
Classification: Uncertain significance for Congenital myopathy with internal nuclei and atypical cores. Last evaluated: 2023-08-04. Review status: criteria provided, single submitter. Criteria: Invitae Variant Classification Sherloc (09022015). Collection method: clinical testing. Allele origin: germline.
Comment: ClinVar contains an entry for this variant (Variation ID: 1957828). This sequence change affects an acceptor splice site in intron 1 of the CCDC78 gene. It is expected to disrupt RNA splicing. Variants that disrupt the donor or acceptor splice site typically lead to a loss of protein function (PMID: 16199547), however the current clinical and genetic evidence is not sufficient to establish whether loss-of-function variants in CCDC78 cause disease. The frequency data for this variant in the population databases is considered unreliable, as metrics indicate poor data quality at this position in the gnomAD database. This variant has not been reported in the literature in individuals affected with CCDC78-related conditions. Algorithms developed to predict the effect of sequence changes on RNA splicing suggest that this variant may disrupt the consensus splice site. In summary, the available evidence is currently insufficient to determine the role of this variant in disease. Therefore, it has been classified as a Variant of Uncertain Significance.

Literature cited by the submitters: PubMed 16199547.

NM_001378030.1(CCDC78):c.61-2A>G

Gene: CCDC78 (coiled-coil domain containing 78; minus strand). Cytogenetic location: 16p13.3.
Variant type: single nucleotide variant.
Coding change: c.61-2A>G on transcript NM_001378030.1 (MANE Select); the canonical splice acceptor site of the intron before coding-DNA position 61, A replaced by G.
Molecular consequence: splice acceptor variant. On other transcripts: non-coding transcript variant (1).
Genome position (GRCh38, 1-based): chr16:726,087, T>C on the plus strand (A>G on the coding strand, the complement: CCDC78 is on the minus strand). VCF-style: chr16-726087-T-C. GRCh37 (hg19) VCF-style: chr16-776087-T-C.
Other names: c.-225-2A>G (NM_001378033.1); c.61-2A>G (NM_001378031.1, NM_001031737.3).
Identifiers: ClinVar variation 1957828 (VCV001957828.5), dbSNP rs1367009381, ClinGen allele CA394106168.